The following is an entry in ClinVar:

NM_018975.4(TERF2IP):c.457C>T (p.Arg153Cys)

Gene: TERF2IP (TERF2 interacting protein; plus strand). Cytogenetic location: 16q23.1.
Variant type: single nucleotide variant.
Coding change: c.457C>T on transcript NM_018975.4 (MANE Select); coding-DNA position 457, C replaced by T.
Protein change: p.Arg153Cys; replaces arginine 153 with cysteine.
Molecular consequence: missense variant. On other transcripts: non-coding transcript variant (1).
Genome position (GRCh38, 1-based): chr16:75,648,339, C>T. VCF-style: chr16-75648339-C-T. GRCh37 (hg19) VCF-style: chr16-75682237-C-T.
Other names: short protein forms R153C.
Identifiers: ClinVar variation 1741620 (VCV001741620.2), dbSNP rs11556640, ClinGen allele CA396817945.

ClinVar aggregate classification (germline): Uncertain significance (1 of 4 stars; one submission).

Submission:

Ambry Genetics
Classification: Uncertain significance. Last evaluated: 2024-02-22. Review status: criteria provided, single submitter. Criteria: Ambry Variant Classification Scheme 2023. Collection method: clinical testing. Allele origin: germline.
Comment: The p.R153C variant (also known as c.457C>T), located in coding exon 1 of the TERF2IP gene, results from a C to T substitution at nucleotide position 457. The arginine at codon 153 is replaced by cysteine, an amino acid with highly dissimilar properties. This amino acid position is conserved. In addition, this alteration is predicted to be tolerated by in silico analysis. Since supporting evidence is limited at this time, the clinical significance of this alteration remains unclear.